The following is an entry in ClinVar:

NC_000011.9:g.(?_88027619)_(88030969_?)del

Gene: CTSC (cathepsin C; minus strand). Cytogenetic location: 11q14.2.
Variant type: Deletion.
Identifiers: ClinVar variation 3244634 (VCV003244634.1).

ClinVar aggregate classification (germline): Pathogenic (1 of 4 stars; one submission).

Conditions:
Periodontitis, aggressive. Identifiers: MedGen C0031106, MONDO:0980757.
Haim-Munk syndrome (HMS). Also called: COCHIN JEWISH DISORDER; KERATOSIS PALMOPLANTARIS WITH PERIODONTOPATHIA AND ONYCHOGRYPOSIS. Identifiers: Orphanet 2342, MedGen C1855627, MONDO:0009491, OMIM 245010.
Papillon-Lefèvre syndrome (PALS). Also called: KERATOSIS PALMOPLANTARIS WITH PERIODONTOPATHIA; Papillon-Lefevre Disease. Identifiers: Orphanet 678, MedGen C0030360, MONDO:0009490, OMIM 245000.

Submission:

Labcorp Genetics (formerly Invitae), Labcorp
Classification: Pathogenic for Haim-Munk syndrome; Periodontitis, aggressive; Papillon-Lefèvre syndrome. Last evaluated: 2024-01-04. Review status: criteria provided, single submitter. Criteria: Invitae Variant Classification Sherloc (09022015). Collection method: clinical testing. Allele origin: unknown.
Comment: This variant results in the deletion of exon 6 and part of exon 7 (c.758-1537_947del) of the CTSC gene. While this variant is not anticipated to result in nonsense mediated decay, it likely alters RNA splicing and results in a disrupted protein product. This variant has not been reported in the literature in individuals affected with CTSC-related conditions. Variants that disrupt the consensus splice site are a relatively common cause of aberrant splicing (PMID: 17576681, 9536098). This variant disrupts a region of the CTSC protein in which other variant(s) (p.Gly301Ser) have been determined to be pathogenic (PMID: 10581027, 11180012). This suggests that this is a clinically significant region of the protein, and that variants that disrupt it are likely to be disease-causing. For these reasons, this variant has been classified as Pathogenic.

Literature cited by the submitters: PubMed 17576681; PubMed 9536098; PubMed 10581027; PubMed 11180012.